The following is an entry in ClinVar:

NM_005357.4(LIPE):c.232C>T (p.Gln78Ter)

Genes: LIPE (lipase E, hormone sensitive type; minus strand), LIPE-AS1 (LIPE antisense RNA 1; plus strand). Cytogenetic location: 19q13.2.
Variant type: single nucleotide variant.
Coding change: c.232C>T on transcript NM_005357.4 (MANE Select); coding-DNA position 232, C replaced by T.
Protein change: p.Gln78Ter; replaces glutamine 78 with a stop codon.
Molecular consequence: nonsense.
Genome position (GRCh38, 1-based): chr19:42,426,918, G>A on the plus strand (C>T on the coding strand, the complement: LIPE is on the minus strand). VCF-style: chr19-42426918-G-A. GRCh37 (hg19) VCF-style: chr19-42931070-G-A.
Other names: short protein forms Q78*.
Identifiers: ClinVar variation 4845693 (VCV004845693.1).

ClinVar aggregate classification (germline): Likely pathogenic (1 of 4 stars; one submission).

Conditions:
LIPE-related familial partial lipodystrophy. Also called: LIPODYSTROPHY, FAMILIAL PARTIAL, ASSOCIATED WITH LIPE MUTATIONS; Familial partial lipodystrophy 6. Identifiers: Orphanet 435660, MedGen C4014869, MONDO:0014431, OMIM 615980.

gnomAD v4.1: 3 of 1,614,080 alleles (0.00019%); highest among the groups gnomAD compares: South Asian, 0.0011%; no homozygotes.

Submission:

First Genomix Gene Laboratory, Genetic Diagnostics Department
Classification: Likely pathogenic for LIPE-related familial partial lipodystrophy. Last evaluated: 2025-01-16. Review status: criteria provided, single submitter. Criteria: ACMG Guidelines, 2015. Collection method: clinical testing. Allele origin: germline. Inheritance: Autosomal recessive inheritance. Affected: no. Observed: 1 variant allele.